The following is an entry in ClinVar:

NM_000143.4(FH):c.1127_1128del (p.Gln376fs)

Gene: FH (fumarate hydratase; minus strand). Cytogenetic location: 1q43.
Variant type: Deletion.
Coding change: c.1127_1128del on transcript NM_000143.4 (MANE Select); coding-DNA positions 1127 to 1128, 2 bases deleted (AG; older notation c.1127_1128delAG).
Protein change: p.Gln376fs; shifts the reading frame from glutamine 376.
Molecular consequence: frameshift variant.
Genome position (GRCh38, 1-based): chr1:241,502,551-241,502,552, CT deleted on the plus strand (AG on the coding strand, the reverse complement: FH is on the minus strand). VCF-style (leftmost placement, unchanged base first): chr1-241502550-ACT-A. GRCh37 (hg19) VCF-style: chr1-241665850-ACT-A.
Other names: short protein forms Q376fs.
Identifiers: ClinVar variation 2573255 (VCV002573255.4), dbSNP rs2527316769, ClinGen allele CA2580612906.

ClinVar aggregate classification (germline): Pathogenic. Review status: criteria provided, multiple submitters, no conflicts (2 of 4 stars). 3 submissions from 3 submitters: Pathogenic (3). Last evaluated 2024-12-17.

Conditions:
Hereditary cancer-predisposing syndrome. Also called: Hereditary Cancer Syndrome; Hereditary neoplastic syndrome; Neoplastic Syndromes, Hereditary; Tumor predisposition. Identifiers: Orphanet 140162, MedGen C0027672, MeSH D009386, MONDO:0015356.
Hereditary leiomyomatosis and renal cell cancer. Also called: MULTIPLE CUTANEOUS AND UTERINE LEIOMYOMATA 1, WITH OR WITHOUT RENAL CELL CARCINOMA; LEIOMYOMA, MULTIPLE CUTANEOUS; Multiple cutaneous leiomyomas; Reed syndrome; Multiple cutaneous and uterine leiomyomatosis; Cutaneous leiomyomata with uterine leiomyomata. Identifiers: Orphanet 523, MedGen C1708350, MONDO:0007888, OMIM 150800, HP:0007437. Disease mechanism: loss of function.

Allele frequency attached by ClinVar (database versions not stated): gnomAD exomes below 0.00001.

Submissions (3):

Ambry Genetics
Classification: Pathogenic for Hereditary cancer-predisposing syndrome. Last evaluated: 2024-12-17. Review status: criteria provided, single submitter. Criteria: Ambry Variant Classification Scheme 2023. Collection method: clinical testing. Allele origin: germline.
Comment: The c.1127_1128delAG pathogenic mutation, located in coding exon 8 of the FH gene, results from a deletion of two nucleotides at nucleotide positions 1127 to 1128, causing a translational frameshift with a predicted alternate stop codon (p.Q376Lfs*2). This variant is considered to be rare based on population cohorts in the Genome Aggregation Database (gnomAD). This alteration is expected to result in loss of function by premature protein truncation or nonsense-mediated mRNA decay. As such, this alteration is interpreted as a disease-causing mutation.

Labcorp Genetics (formerly Invitae), Labcorp
Classification: Pathogenic. Last evaluated: 2024-04-25. Review status: criteria provided, single submitter. Criteria: Invitae Variant Classification Sherloc (09022015). Collection method: clinical testing. Allele origin: germline.
Comment: This sequence change creates a premature translational stop signal (p.Gln376Leufs*2) in the FH gene. It is expected to result in an absent or disrupted protein product. Loss-of-function variants in FH are known to be pathogenic (PMID: 11865300, 21398687). This variant is not present in population databases (gnomAD no frequency). This variant has not been reported in the literature in individuals affected with FH-related conditions. ClinVar contains an entry for this variant (Variation ID: 2573255). For these reasons, this variant has been classified as Pathogenic.

Myriad Genetics, Inc.
Classification: Pathogenic for Hereditary leiomyomatosis and renal cell cancer. Last evaluated: 2023-03-31. Review status: criteria provided, single submitter. Criteria: Myriad Autosomal Dominant, Autosomal Recessive and X-Linked Classification Criteria (2023). Collection method: clinical testing. Allele origin: unknown.
Comment: This variant is considered pathogenic. This variant creates a frameshift predicted to result in premature protein truncation.

Literature cited by the submitters: PubMed 11865300 (cited by Labcorp Genetics (formerly Invitae), Labcorp); PubMed 21398687 (cited by Labcorp Genetics (formerly Invitae), Labcorp).